The following is an entry in ClinVar:

ClinVar aggregate classification (germline): Uncertain significance (1 of 4 stars; one submission).

Conditions:
Dyskeratosis congenita, autosomal dominant 1 (DKCA1). Also called: Dyskeratosis congenita Scoggins type. Identifiers: Orphanet 1775, MedGen C4551974, MONDO:0007485, OMIM 127550. Inheritance: Variable.

Allele frequency attached by ClinVar (database versions not stated): TOPMed 0.00002.
gnomAD v4.1: 1 of 744,644 alleles (0.00013%); highest among the groups gnomAD compares: Non-Finnish European, 0.00025%; no homozygotes.

Submission:

Labcorp Genetics (formerly Invitae), Labcorp
Classification: Uncertain significance for Dyskeratosis congenita, autosomal dominant 1. Last evaluated: 2023-03-12. Review status: criteria provided, single submitter. Criteria: Invitae Variant Classification Sherloc (09022015). Collection method: clinical testing. Allele origin: germline.
Comment: In summary, the available evidence is currently insufficient to determine the role of this variant in disease. Therefore, it has been classified as a Variant of Uncertain Significance. This variant is located within the conserved regions 4 and 5 (CR4-CR5) domain of the TERC RNA component, which is required for telomerase activity (PMID: 15082312, 21844345). ClinVar contains an entry for this variant (Variation ID: 856455). This variant has not been reported in the literature in individuals affected with TERC-related conditions. This variant is not present in population databases (gnomAD no frequency). This variant occurs in the TERC gene, which encodes an RNA molecule that does not result in a protein product.

Literature cited by the submitters: PubMed 15082312; PubMed 21844345.

NC_000003.12:g.169764766T>C

Genes: TERC (telomerase RNA component; minus strand), LOC110806306 (telomerase RNA component (TERC) promoter; plus strand). Cytogenetic location: 3q26.2.
Variant type: single nucleotide variant.
Genome position: GRCh38 VCF-style: chr3-169764766-T-C. GRCh37 (hg19) VCF-style: chr3-169482554-T-C.
Identifiers: ClinVar variation 856455 (VCV000856455.8), dbSNP rs1297308302, ClinGen allele CA436715128.